The following is an entry in ClinVar:

ClinVar aggregate classification (germline): Uncertain significance. Review status: criteria provided, multiple submitters, no conflicts (2 of 4 stars). 2 submissions from 2 submitters: Uncertain significance (2). Last evaluated 2025-10-08.

Conditions:
Hereditary cancer-predisposing syndrome. Also called: Neoplastic Syndromes, Hereditary; Hereditary Cancer Syndrome; Hereditary neoplastic syndrome; Tumor predisposition. Identifiers: Orphanet 140162, MedGen C0027672, MeSH D009386, MONDO:0015356.
Birt-Hogg-Dube syndrome. Also called: Birt Hogg Dubé syndrome. Identifiers: Orphanet 122, MedGen C0346010, MONDO:0800444.

Submissions (2):

Ambry Genetics
Classification: Uncertain significance for Hereditary cancer-predisposing syndrome. Last evaluated: 2025-10-08. Review status: criteria provided, single submitter. Criteria: Ambry Variant Classification Scheme 2023. Collection method: clinical testing. Allele origin: germline.
Comment: The p.T573A variant (also known as c.1717A>G), located in coding exon 11 of the FLCN gene, results from an A to G substitution at nucleotide position 1717. The threonine at codon 573 is replaced by alanine, an amino acid with similar properties. This amino acid position is poorly conserved in available vertebrate species. In addition, this alteration is predicted to be tolerated by in silico analysis. Since supporting evidence is limited at this time, the clinical significance of this alteration remains unclear.

Labcorp Genetics (formerly Invitae), Labcorp
Classification: Uncertain significance for Birt-Hogg-Dube syndrome. Last evaluated: 2021-12-08. Review status: criteria provided, single submitter. Criteria: Invitae Variant Classification Sherloc (09022015). Collection method: clinical testing. Allele origin: germline.
Comment: This sequence change replaces threonine, which is neutral and polar, with alanine, which is neutral and non-polar, at codon 573 of the FLCN protein (p.Thr573Ala). This variant is not present in population databases (gnomAD no frequency). This variant has not been reported in the literature in individuals affected with FLCN-related conditions. ClinVar contains an entry for this variant (Variation ID: 643740). Algorithms developed to predict the effect of missense changes on protein structure and function (SIFT, PolyPhen-2, Align-GVGD) all suggest that this variant is likely to be tolerated. In summary, the available evidence is currently insufficient to determine the role of this variant in disease. Therefore, it has been classified as a Variant of Uncertain Significance.

NM_144997.7(FLCN):c.1717A>G (p.Thr573Ala)

Gene: FLCN (folliculin; minus strand). Cytogenetic location: 17p11.2.
Variant type: single nucleotide variant.
Coding change: c.1717A>G on transcript NM_144997.7 (MANE Select); coding-DNA position 1717, A replaced by G.
Protein change: p.Thr573Ala; replaces threonine 573 with alanine.
Molecular consequence: missense variant.
Genome position (GRCh38, 1-based): chr17:17,213,678, T>C on the plus strand (A>G on the coding strand, the complement: FLCN is on the minus strand). VCF-style: chr17-17213678-T-C. GRCh37 (hg19) VCF-style: chr17-17116992-T-C.
Other names: c.1717A>G (LRG_325t1); c.1771A>G, p.Thr591Ala (NM_001353229.2); c.1717A>G, p.Thr573Ala (NM_001353230.2, NM_001353231.2); short protein forms T573A, T591A.
Identifiers: ClinVar variation 643740 (VCV000643740.6), dbSNP rs758901704, ClinGen allele CA398529790.
Genomic context (GRCh38, chr17:17,213,678, plus strand): 5'-CAGCCATCCCTGTCTTTAGGCAGGTGTGTGTGACGGGTCAGTTCCGAGACTCCGAGGCTG[T>C]GGGGCTGCGGACCGTGGACATGAGGTGTGACTTGTAGGTCTTGCTCAGGCCAGTCATCCA-3'
Protein context (NP_659434.2, residues 563-579): SHLMSTVRSP[Thr573Ala]ASESRN